The following is an entry in ClinVar:

NM_014159.7(SETD2):c.3940C>T (p.Pro1314Ser)

Gene: SETD2 (SET domain containing 2, histone lysine methyltransferase; minus strand). Cytogenetic location: 3p21.31.
Variant type: single nucleotide variant.
Coding change: c.3940C>T on transcript NM_014159.7 (MANE Select); coding-DNA position 3940, C replaced by T.
Protein change: p.Pro1314Ser; replaces proline 1314 with serine.
Molecular consequence: missense variant. On other transcripts: non-coding transcript variant (1).
Genome position (GRCh38, 1-based): chr3:47,120,696, G>A on the plus strand (C>T on the coding strand, the complement: SETD2 is on the minus strand). VCF-style: chr3-47120696-G-A. GRCh37 (hg19) VCF-style: chr3-47162186-G-A.
Other names: c.3808C>T, p.Pro1270Ser (NM_001349370.3); short protein forms P1270S, P1314S.
Identifiers: ClinVar variation 2712828 (VCV002712828.1), dbSNP rs377488968, ClinGen allele CA2363294.

ClinVar aggregate classification (germline): Uncertain significance (1 of 4 stars; one submission).

Conditions:
Luscan-Lumish syndrome. Identifiers: Orphanet 597738, MedGen C4085873, MONDO:0014791, OMIM 616831.

gnomAD v4.1: 1 of 1,614,126 alleles (0.000062%); highest among the groups gnomAD compares: Non-Finnish European, 0.000085%; no homozygotes.

Submission:

Labcorp Genetics (formerly Invitae), Labcorp
Classification: Uncertain significance for Luscan-Lumish syndrome. Last evaluated: 2022-10-30. Review status: criteria provided, single submitter. Criteria: Invitae Variant Classification Sherloc (09022015). Collection method: clinical testing. Allele origin: germline.
Comment: In summary, the available evidence is currently insufficient to determine the role of this variant in disease. Therefore, it has been classified as a Variant of Uncertain Significance. Advanced modeling of protein sequence and biophysical properties (such as structural, functional, and spatial information, amino acid conservation, physicochemical variation, residue mobility, and thermodynamic stability) performed at Invitae indicates that this missense variant is not expected to disrupt SETD2 protein function. This variant has not been reported in the literature in individuals affected with SETD2-related conditions. This variant is present in population databases (rs377488968, gnomAD 0.0009%). This sequence change replaces proline, which is neutral and non-polar, with serine, which is neutral and polar, at codon 1314 of the SETD2 protein (p.Pro1314Ser).